The following is an entry in ClinVar:

ClinVar aggregate classification (germline): Uncertain significance. Review status: criteria provided, multiple submitters, no conflicts (2 of 4 stars). 2 submissions from 2 submitters: Uncertain significance (2). Last evaluated 2025-08-18.

Conditions:
Inborn genetic diseases. Identifiers: MedGen C0950123, MeSH D030342.

gnomAD v4.1: 7 of 1,539,230 alleles (0.00045%); highest among the groups gnomAD compares: Non-Finnish European, 0.00061%; no homozygotes.

Submissions (2):

Labcorp Genetics (formerly Invitae), Labcorp
Classification: Uncertain significance. Last evaluated: 2025-08-18. Review status: criteria provided, single submitter. Criteria: Invitae Variant Classification Sherloc (09022015). Collection method: clinical testing. Allele origin: germline.
Comment: This sequence change replaces arginine, which is basic and polar, with lysine, which is basic and polar, at codon 499 of the FOCAD protein (p.Arg499Lys). The frequency data for this variant in the population databases is considered unreliable, as metrics indicate poor data quality at this position in the gnomAD database. This variant has not been reported in the literature in individuals affected with FOCAD-related conditions. ClinVar contains an entry for this variant (Variation ID: 3631826). An algorithm developed to predict the effect of missense changes on protein structure and function outputs the following: PolyPhen-2: "Not Available". The lysine amino acid residue is found in multiple mammalian species, which suggests that this missense change does not adversely affect protein function. In summary, the available evidence is currently insufficient to determine the role of this variant in disease. Therefore, it has been classified as a Variant of Uncertain Significance.

Ambry Genetics
Classification: Uncertain significance for Inborn genetic diseases. Last evaluated: 2025-03-16. Review status: criteria provided, single submitter. Criteria: Ambry Variant Classification Scheme 2023. Collection method: clinical testing. Allele origin: germline.

NM_001375567.1(FOCAD):c.1496G>A (p.Arg499Lys)

Gene: FOCAD (focadhesin; plus strand). Cytogenetic location: 9p21.3.
Variant type: single nucleotide variant.
Coding change: c.1496G>A on transcript NM_001375567.1 (MANE Select); coding-DNA position 1496, G replaced by A.
Protein change: p.Arg499Lys; replaces arginine 499 with lysine.
Molecular consequence: missense variant. On other transcripts: intron variant (1).
Genome position (GRCh38, 1-based): chr9:20,819,836, G>A. VCF-style: chr9-20819836-G-A. GRCh37 (hg19) VCF-style: chr9-20819835-G-A.
Other names: c.1496G>A (NM_017794.3); c.1391G>A, p.Arg464Lys (NM_001375570.1); c.1496G>A, p.Arg499Lys (NM_017794.5); c.1456-488G>A (NM_001375568.1); short protein forms R464K, R499K.
Identifiers: ClinVar variation 3631826 (VCV003631826.3).